The following continues an entry in ClinVar:

NM_000059.4(BRCA2):c.8168A>C (p.Asp2723Ala)

Gene: BRCA2. ClinVar aggregate classification (germline): Pathogenic. Pathogenic (1).

Submissions 7 to 11 of 11:

GeneDx
Classification: Likely pathogenic. Last evaluated: 2019-06-20. Review status: criteria provided, single submitter. Criteria: GeneDx Variant Classification Process June 2021. Collection method: clinical testing. Allele origin: germline. Affected: yes. Not counted in ClinVar's aggregate classification.
Comment: Not observed at a significant frequency in large population cohorts (Lek et al., 2016); This variant is associated with the following publications: (PMID: 12601471, 19043619, 21702907, 18724707, 18451181, 23108138, 26681312, 23893897, 25447315, 26269718, 17972171, 29394989, 31447099, 29884841)

Cancer Variant Interpretation Group UK, Institute of Cancer Research, London
Classification: Pathogenic for Hereditary Breast and Ovarian Cancer. Last evaluated: 2018-09-25. Review status: criteria provided, single submitter. Criteria: ACMG Guidelines, 2015. Collection method: curation. Allele origin: germline. Not counted in ClinVar's aggregate classification.
Comment: Data used in classification: The variant was observed in 3 independent UK families undergoing clinical diagnostic BRCA1/BRCA2 testing for HBOC according to diagnostic criteria, the denominator of which dataset of clinical testing was 16,600. Case control comparison against ethnically matched population data (3/16,600 in familial cases against 1/55,659 gnomAD NFE controls) 2-sided Fishers exact: pexact= 0.037 (PS4_strong). The frequency of this variant is 0/67,264 individuals (remainder of the GNOMAD population) (PM2_mod). This variant is predicted deleterious on AlignGVGD (class: C65), SIFT (Deleterious), Polyphen2 HumVar (probably damaging) and CADD (18.82 (PP3_sup). This variant is at same codon as an established pathogenic variant on ClinVar (c.8168A>G). (PM5_mod). The variant is in the DNA-binding domain of BRCA2 (PM1_sup). In the BRCA2 Homology-Directed Repair Activity assay DNA Binding Domain assay (Guidugli et al Cancer Res 2013;73:265-275,Couch Lab), the variant has a probability of pathogenicity of P=1.0. In the VarCall Bayesian statistical model for VUS classification using functional assay data (Guidugli et al Am J Hum Genet 2018; 102:233-248, Couch Lab), the variant has a probability of being deleterious of 0.994 and an overall classification of pathogenic. (PS3_strong). This variant is classified on ClinVar as likely pathogenic by multiple accredited USA diagnostic laboratories (Ambry Genetics 2015, Counsyl 2018 and GeneDx 2017) (PP5_sup). Data not used in classification: There are additional reports of this variant in DMuDB (11), BIC (2), and BRCA2 LOVD (4).

Human Genome Sequencing Center Clinical Lab, Baylor College of Medicine
Classification: Likely pathogenic for Breast-ovarian cancer, familial, susceptibility to, 2. Last evaluated: 2018-01-30. Review status: criteria provided, single submitter. Criteria: ACMG Guidelines, 2015. Collection method: clinical testing. Allele origin: germline. Not counted in ClinVar's aggregate classification.
Comment: This variant has been previously described in breast cancer (PMID: 12601471). Different missense changes at this codon, p.D2723H and p.D2723G, have been reported as pathogenic. In addition, experimental studies have shown that this variant results in reduced homology directed repair and increased centrosome amplification (PMID: 23108138, 18451181). Therefore, we consider this variant to be likely pathogenic.

Counsyl
Classification: Likely pathogenic for Breast-ovarian cancer, familial, susceptibility to, 2. Last evaluated: 2018-02-22. Review status: no assertion criteria provided. Collection method: clinical testing. Allele origin: unknown. Not counted in ClinVar's aggregate classification.

Breast Cancer Information Core (BIC) (BRCA2)
Classification: Uncertain significance for Breast-ovarian cancer, familial 2. Last evaluated: 2003-12-23. Review status: no assertion criteria provided. Collection method: clinical testing. Allele origin: germline. Affected: yes. Observed: 2 variant alleles. Not counted in ClinVar's aggregate classification.

Literature cited by the submitters: PubMed 33609447 (cited by ClinGen ENIGMA BRCA1 and BRCA2 Variant Curation Expert Panel, ClinGen and Labcorp Genetics (formerly Invitae), Labcorp); PubMed 33293522 (cited by ClinGen ENIGMA BRCA1 and BRCA2 Variant Curation Expert Panel, ClinGen); PubMed 23108138 (cited by 4 submitters); PubMed 12601471 (cited by 4 submitters); PubMed 35736817 (cited by Women's Health and Genetics/Laboratory Corporation of America, LabCorp); PubMed 38843470 (cited by Women's Health and Genetics/Laboratory Corporation of America, LabCorp); PubMed 28888541 (cited by Labcorp Genetics (formerly Invitae), Labcorp); PubMed 18451181 (cited by 4 submitters); PubMed 24323938 (cited by Labcorp Genetics (formerly Invitae), Labcorp); PubMed 29394989 (cited by 4 submitters); PubMed 29884841 (cited by Labcorp Genetics (formerly Invitae), Labcorp); PubMed 15290653 (cited by Labcorp Genetics (formerly Invitae), Labcorp); PubMed 15695382 (cited by Labcorp Genetics (formerly Invitae), Labcorp); PubMed 16489001 (cited by Labcorp Genetics (formerly Invitae), Labcorp); PubMed 17924331 (cited by Labcorp Genetics (formerly Invitae), Labcorp); PubMed 18607349 (cited by Labcorp Genetics (formerly Invitae), Labcorp); PubMed 21990134 (cited by Labcorp Genetics (formerly Invitae), Labcorp); PubMed 19043619 (cited by Ambry Genetics and Counsyl); PubMed 21702907 (cited by Ambry Genetics and Counsyl); PubMed 17972171 (cited by Laboratory for Molecular Medicine, Mass General Brigham Personalized Medicine); PubMed 23893897 (cited by Counsyl); PubMed 26681312 (cited by Counsyl); PubMed 18724707 (cited by Counsyl).